The following is an entry in ClinVar:

NM_003482.4(KMT2D):c.10794GCA[2] (p.Gln3612del)

Gene: KMT2D (lysine methyltransferase 2D; minus strand). Cytogenetic location: 12q13.12.
Variant type: Microsatellite.
Coding change: c.10794GCA[2] on transcript NM_003482.4 (MANE Select); two copies in a row of the 3-base unit GCA starting at c.10794; the reference has three copies in a row; one copy, 3 bases deleted.
Protein change: p.Gln3612del; deletes glutamine 3612.
Molecular consequence: inframe deletion.
Genome position (GRCh38, 1-based): chr12:49,033,903-49,033,905, TGC deleted on the plus strand (GCA on the coding strand, the reverse complement: KMT2D is on the minus strand); deleting any 3 consecutive bases within chr12:49,033,903-49,033,912 gives the same sequence; the position shown is the placement nearest the transcript's 3' end. VCF-style (leftmost placement, unchanged base first): chr12-49033902-TTGC-T. GRCh37 (hg19) VCF-style: chr12-49427685-TTGC-T.
Other names: short protein forms Q3612del.
Identifiers: ClinVar variation 1193287 (VCV001193287.12), dbSNP rs765850235, ClinGen allele CA6546432.

ClinVar aggregate classification (germline): Likely benign. Review status: criteria provided, multiple submitters, no conflicts (2 of 4 stars). 3 submissions from 3 submitters: Likely benign (2). 1 of the submissions does not count toward it. Last evaluated 2025-08-14.

Conditions:
Kabuki syndrome. Also called: NIIKAWA-KUROKI SYNDROME; Kabuki make-up syndrome. Identifiers: Orphanet 2322, MedGen C0796004, MONDO:0016512.
KMT2D-related disorder. Also called: KMT2D-Related Disorders.

Submissions (3):

Labcorp Genetics (formerly Invitae), Labcorp
Classification: Likely benign for Kabuki syndrome. Last evaluated: 2025-08-14. Review status: criteria provided, single submitter. Criteria: Invitae Variant Classification Sherloc (09022015). Collection method: clinical testing. Allele origin: germline.

GeneDx
Classification: Likely benign. Last evaluated: 2021-01-13. Review status: criteria provided, single submitter. Criteria: GeneDx Variant Classification Process June 2021. Collection method: clinical testing. Allele origin: germline. Affected: yes.

PreventionGenetics, part of Exact Sciences
Classification: Likely benign for KMT2D-related condition. Last evaluated: 2023-07-20. Review status: no assertion criteria provided. Collection method: clinical testing. Allele origin: germline. Not counted in ClinVar's aggregate classification.
Comment: This variant is classified as likely benign based on ACMG/AMP sequence variant interpretation guidelines (Richards et al. 2015 PMID: 25741868, with internal and published modifications).